The following is an entry in ClinVar:

NM_005188.4(CBL):c.1601C>G (p.Pro534Arg)

Gene: CBL (Cbl proto-oncogene; plus strand). Cytogenetic location: 11q23.3.
Variant type: single nucleotide variant.
Coding change: c.1601C>G on transcript NM_005188.4 (MANE Select); coding-DNA position 1601, C replaced by G.
Protein change: p.Pro534Arg; replaces proline 534 with arginine.
Molecular consequence: missense variant.
Genome position (GRCh38, 1-based): chr11:119,285,226, C>G. VCF-style: chr11-119285226-C-G. GRCh37 (hg19) VCF-style: chr11-119155936-C-G.
Other names: short protein forms P534R.
Identifiers: ClinVar variation 5033743 (VCV005033743.1).

ClinVar aggregate classification (germline): Uncertain significance (1 of 4 stars; one submission).

Conditions:
Cardiovascular phenotype. Identifiers: MedGen CN230736.

Submission:

Ambry Genetics
Classification: Uncertain significance for Cardiovascular phenotype. Last evaluated: 2026-07-13. Review status: criteria provided, single submitter. Criteria: Ambry Variant Classification Scheme 2023. Collection method: clinical testing. Allele origin: germline.
Comment: The p.P534R variant (also known as c.1601C>G), located in coding exon 11 of the CBL gene, results from a C to G substitution at nucleotide position 1601. The proline at codon 534 is replaced by arginine, an amino acid with dissimilar properties. This amino acid position is conserved. In addition, this alteration is predicted to be deleterious by in silico analysis. Based on the available evidence, the clinical significance of this variant remains unclear.